The following is an entry in ClinVar:

ClinVar aggregate classification (germline): Uncertain significance. Review status: criteria provided, multiple submitters, no conflicts (2 of 4 stars). 2 submissions from 2 submitters: Uncertain significance (2). Last evaluated 2024-04-28.

Conditions:
Hereditary cancer-predisposing syndrome. Also called: Neoplastic Syndromes, Hereditary; Tumor predisposition; Hereditary Cancer Syndrome; Hereditary neoplastic syndrome. Identifiers: Orphanet 140162, MedGen C0027672, MeSH D009386, MONDO:0015356.

Allele frequency attached by ClinVar (database versions not stated): TOPMed below 0.00001.

Submissions (2):

Ambry Genetics
Classification: Uncertain significance for Hereditary cancer-predisposing syndrome. Last evaluated: 2024-04-28. Review status: criteria provided, single submitter. Criteria: Ambry Variant Classification Scheme 2023. Collection method: clinical testing. Allele origin: germline.
Comment: The p.L248V variant (also known as c.742C>G), located in coding exon 5 of the RAD50 gene, results from a C to G substitution at nucleotide position 742. The leucine at codon 248 is replaced by valine, an amino acid with highly similar properties. This amino acid position is well conserved in available vertebrate species. In addition, this alteration is predicted to be tolerated by in silico analysis. Since supporting evidence is limited at this time, the clinical significance of this alteration remains unclear.

Labcorp Genetics (formerly Invitae), Labcorp
Classification: Uncertain significance for Hereditary cancer-predisposing syndrome. Last evaluated: 2023-05-17. Review status: criteria provided, single submitter. Criteria: Invitae Variant Classification Sherloc (09022015). Collection method: clinical testing. Allele origin: germline.
Comment: This variant has not been reported in the literature in individuals affected with RAD50-related conditions. This sequence change replaces leucine, which is neutral and non-polar, with valine, which is neutral and non-polar, at codon 248 of the RAD50 protein (p.Leu248Val). This variant is not present in population databases (gnomAD no frequency). ClinVar contains an entry for this variant (Variation ID: 1758870). Advanced modeling of protein sequence and biophysical properties (such as structural, functional, and spatial information, amino acid conservation, physicochemical variation, residue mobility, and thermodynamic stability) performed at Invitae indicates that this missense variant is not expected to disrupt RAD50 protein function. In summary, the available evidence is currently insufficient to determine the role of this variant in disease. Therefore, it has been classified as a Variant of Uncertain Significance.

NM_005732.4(RAD50):c.742C>G (p.Leu248Val)

Gene: RAD50 (RAD50 double strand break repair protein; plus strand). Cytogenetic location: 5q31.1.
Variant type: single nucleotide variant.
Coding change: c.742C>G on transcript NM_005732.4 (MANE Select); coding-DNA position 742, C replaced by G.
Protein change: p.Leu248Val; replaces leucine 248 with valine.
Molecular consequence: missense variant.
Genome position (GRCh38, 1-based): chr5:132,580,052, C>G. VCF-style: chr5-132580052-C-G. GRCh37 (hg19) VCF-style: chr5-131915744-C-G.
Other names: short protein forms L248V.
Identifiers: ClinVar variation 1758870 (VCV001758870.6), dbSNP rs1201554106, ClinGen allele CA360937340.